The following is an entry in ClinVar:

ClinVar aggregate classification (germline): Uncertain significance (1 of 4 stars; one submission).

Conditions:
Cardiovascular phenotype. Identifiers: MedGen CN230736.

Allele frequency attached by ClinVar (database versions not stated): gnomAD exomes below 0.00001.
gnomAD v4.1: 2 of 1,550,438 alleles (0.00013%); highest among the groups gnomAD compares: Admixed American, 0.0039%; no homozygotes.

Submission:

Ambry Genetics
Classification: Uncertain significance for Cardiovascular phenotype. Last evaluated: 2024-02-03. Review status: criteria provided, single submitter. Criteria: Ambry Variant Classification Scheme 2023. Collection method: clinical testing. Allele origin: germline.
Comment: The p.K1676E variant (also known as c.5026A>G), located in coding exon 2 of the ZNF469 gene, results from an A to G substitution at nucleotide position 5026. The lysine at codon 1676 is replaced by glutamic acid, an amino acid with similar properties. This amino acid position is conserved. In addition, this alteration is predicted to be tolerated by in silico analysis. Based on the available evidence, the clinical significance of this alteration remains unclear.

NM_001367624.2(ZNF469):c.5110A>G (p.Lys1704Glu)

Gene: ZNF469 (zinc finger protein 469; plus strand). Cytogenetic location: 16q24.2.
Variant type: single nucleotide variant.
Coding change: c.5110A>G on transcript NM_001367624.2 (MANE Select); coding-DNA position 5110, A replaced by G.
Protein change: p.Lys1704Glu; replaces lysine 1704 with glutamic acid.
Molecular consequence: missense variant.
Genome position (GRCh38, 1-based): chr16:88,432,580, A>G. VCF-style: chr16-88432580-A-G. GRCh37 (hg19) VCF-style: chr16-88498988-A-G.
Other names: NM_001127464.1:c.5026A>G; short protein forms K1704E.
Identifiers: ClinVar variation 3232820 (VCV003232820.1), dbSNP rs1186075314, ClinGen allele CA397095372.